The following is an entry in ClinVar:

NM_182914.3(SYNE2):c.10867-3T>C

Gene: SYNE2 (spectrin repeat containing nuclear envelope protein 2; plus strand). Cytogenetic location: 14q23.2.
Variant type: single nucleotide variant.
Coding change: c.10867-3T>C on transcript NM_182914.3 (MANE Select); 3 bases into the intron before coding-DNA position 10867, T replaced by C.
Molecular consequence: intron variant.
Genome position (GRCh38, 1-based): chr14:64,075,942, T>C. VCF-style: chr14-64075942-T-C. GRCh37 (hg19) VCF-style: chr14-64542660-T-C.
Other names: c.10867-3T>C (NM_015180.6, NM_182914.2).
Identifiers: ClinVar variation 1396920 (VCV001396920.8), dbSNP rs764840139, ClinGen allele CA7221639.

ClinVar aggregate classification (germline): Uncertain significance. Review status: criteria provided, single submitter (1 of 4 stars). 2 submissions from 2 submitters: Uncertain significance (1). 1 of the submissions does not count toward it. Last evaluated 2023-12-13.

Conditions:
SYNE2-related disorder. Also called: SYNE2-related condition.
Emery-Dreifuss muscular dystrophy 5, autosomal dominant (EDMD5). Also called: EMERY-DREIFUSS MUSCULAR DYSTROPHY 5. Identifiers: Orphanet 261, MedGen C2751805, MONDO:0013072, OMIM 612999.

Allele frequency attached by ClinVar (database versions not stated): gnomAD exomes below 0.00001; ExAC 0.00001; gnomAD 0.00004 and 0.00005; TOPMed 0.00005.
gnomAD v4.1: 7 of 1,613,566 alleles (0.00043%); highest among the groups gnomAD compares: African/African-American, 0.0067%; no homozygotes.

Submissions (2):

Labcorp Genetics (formerly Invitae), Labcorp
Classification: Uncertain significance for Emery-Dreifuss muscular dystrophy 5, autosomal dominant. Last evaluated: 2023-12-13. Review status: criteria provided, single submitter. Criteria: Invitae Variant Classification Sherloc (09022015). Collection method: clinical testing. Allele origin: germline.
Comment: This sequence change falls in intron 53 of the SYNE2 gene. It does not directly change the encoded amino acid sequence of the SYNE2 protein. It affects a nucleotide within the consensus splice site. This variant is present in population databases (rs764840139, gnomAD 0.008%). This variant has not been reported in the literature in individuals affected with SYNE2-related conditions. ClinVar contains an entry for this variant (Variation ID: 1396920). Variants that disrupt the consensus splice site are a relatively common cause of aberrant splicing (PMID: 17576681, 9536098). Algorithms developed to predict the effect of sequence changes on RNA splicing suggest that this variant is not likely to affect RNA splicing. In summary, the available evidence is currently insufficient to determine the role of this variant in disease. Therefore, it has been classified as a Variant of Uncertain Significance.

PreventionGenetics, part of Exact Sciences
Classification: Likely benign for SYNE2-related condition. Last evaluated: 2019-04-08. Review status: no assertion criteria provided. Collection method: clinical testing. Allele origin: germline. Not counted in ClinVar's aggregate classification.
Comment: This variant is classified as likely benign based on ACMG/AMP sequence variant interpretation guidelines (Richards et al. 2015 PMID: 25741868, with internal and published modifications).

Literature cited by the submitters: PubMed 17576681 (cited by Labcorp Genetics (formerly Invitae), Labcorp); PubMed 9536098 (cited by Labcorp Genetics (formerly Invitae), Labcorp).